The following is an entry in ClinVar:

NM_001346249.2(RALGAPA1):c.134A>G (p.Gln45Arg)

Gene: RALGAPA1 (Ral GTPase activating protein catalytic subunit alpha 1; minus strand). Cytogenetic location: 14q13.2.
Variant type: single nucleotide variant.
Coding change: c.134A>G on transcript NM_001346249.2 (MANE Select); coding-DNA position 134, A replaced by G.
Protein change: p.Gln45Arg; replaces glutamine 45 with arginine.
Molecular consequence: missense variant.
Genome position (GRCh38, 1-based): chr14:35,775,718, T>C on the plus strand (A>G on the coding strand, the complement: RALGAPA1 is on the minus strand). VCF-style: chr14-35775718-T-C. GRCh37 (hg19) VCF-style: chr14-36244924-T-C.
Other names: c.134A>G, p.Gln45Arg (NM_001283043.3, NM_001283044.3, NM_001330075.3 and 7 more transcripts); short protein forms Q45R.
Identifiers: ClinVar variation 4885840 (VCV004885840.2).

ClinVar aggregate classification (germline): Uncertain significance (1 of 4 stars; one submission).

Submission:

Dasa
Classification: Uncertain significance. Last evaluated: 2025-09-03. Review status: criteria provided, single submitter. Criteria: DASA Assertion Criteria. Collection method: clinical testing. Allele origin: germline.
Comment: NM_001346249.2(RALGAPA1):c.134A>G (p.Gln45Arg) is a missense variant that results in the substitution of glutamine with arginine. This variant is rare in population databases. The currently available literature and clinical evidence are not sufficient to establish a definitive association between this variant and the reported condition. Therefore, this variant is classified as a variant of uncertain significance.